The following is an entry in ClinVar:

NM_000426.4(LAMA2):c.5972del (p.Asn1991fs)

Gene: LAMA2 (laminin subunit alpha 2; plus strand). Cytogenetic location: 6q22.33.
Variant type: Deletion.
Coding change: c.5972del on transcript NM_000426.4 (MANE Select); coding-DNA position 5972, one base deleted (A; older notation c.5972delA).
Protein change: p.Asn1991fs; shifts the reading frame from asparagine 1991.
Molecular consequence: frameshift variant.
Genome position (GRCh38, 1-based): chr6:129,438,649, A deleted; the last of 4 consecutive A bases (chr6:129,438,646-129,438,649); deleting any one gives the same sequence. VCF-style (leftmost placement, unchanged base first): chr6-129438645-GA-G. GRCh37 (hg19) VCF-style: chr6-129759790-GA-G.
Other names: c.5972del, p.Asn1991fs (NM_001079823.2); short protein forms N1991fs.
Identifiers: ClinVar variation 3349453 (VCV003349453.1).
Genomic context (GRCh38, chr6:129,438,645, plus strand): 5'-CAAGTATAAGCTCAGGGATGATAAAACTTATTTAATCCTTTTTTTTGTTTTTTATTCGCA[GA>G]AAATGAAGACCATCTAAATGGCTTAAAAACCAGGATAGAAAATGCTGATGCTAGAAATGG-3'

ClinVar aggregate classification (germline): Pathogenic (0 of 4 stars; one submission).

Conditions:
LAMA2-related disorder. Also called: LAMA2-related disorders; LAMA2-related condition.

Submission:

PreventionGenetics, part of Exact Sciences
Classification: Pathogenic for LAMA2-related condition. Last evaluated: 2024-03-26. Review status: no assertion criteria provided. Collection method: clinical testing. Allele origin: germline.
Comment: The LAMA2 c.5972delA variant is predicted to result in a frameshift and premature protein termination (p.Asn1991Metfs*5). To our knowledge, this variant has not been reported in the literature or in a large population database, indicating this variant is rare. Frameshift variants in LAMA2 are expected to be pathogenic. This variant is interpreted as pathogenic.